The following is an entry in ClinVar:

NM_017617.5(NOTCH1):c.-152T>C

Genes: NOTCH1 (notch receptor 1; minus strand), LOC130003020 (ATAC-STARR-seq lymphoblastoid silent region 20528; plus strand). Cytogenetic location: 9q34.3.
Variant type: single nucleotide variant.
Coding change: c.-152T>C on transcript NM_017617.5 (MANE Select); 152 bases upstream of the start codon, T replaced by C.
Molecular consequence: 5 prime UTR variant.
Genome position (GRCh38, 1-based): chr9:136,545,938, A>G on the plus strand (T>C on the coding strand, the complement: NOTCH1 is on the minus strand). VCF-style: chr9-136545938-A-G. GRCh37 (hg19) VCF-style: chr9-139440390-A-G.
Identifiers: ClinVar variation 678543 (VCV000678543.2), dbSNP rs7028061, ClinGen allele CA16376546.

ClinVar aggregate classification (germline): Benign. Review status: criteria provided, multiple submitters, no conflicts (2 of 4 stars). 2 submissions from 2 submitters: Benign (2). Last evaluated 2018-06-14.

Allele frequency attached by ClinVar (database versions not stated): 1000 Genomes Project 0.55950; 1000 Genomes Project 30x 0.58916; gnomAD exomes 0.66745; gnomAD 0.68312; TOPMed 0.70322.

Submissions (2):

GeneDx
Classification: Benign. Last evaluated: 2018-06-14. Review status: criteria provided, single submitter. Criteria: GeneDx Variant Classification (06012015). Collection method: clinical testing. Allele origin: germline. Affected: yes.
Comment: This variant is considered likely benign or benign based on one or more of the following criteria: it is a conservative change, it occurs at a poorly conserved position in the protein, it is predicted to be benign by multiple in silico algorithms, and/or has population frequency not consistent with disease.

Breakthrough Genomics
Classification: Benign. Review status: criteria provided, single submitter. Criteria: ACMG Guidelines, 2015. Collection method: not provided. Allele origin: germline. Inheritance: Autosomal dominant inheritance. Affected: yes.